The following is an entry in ClinVar:

ClinVar aggregate classification (germline): Uncertain significance (1 of 4 stars; one submission).

Conditions:
Hereditary cancer-predisposing syndrome. Also called: Neoplastic Syndromes, Hereditary; Tumor predisposition; Hereditary neoplastic syndrome; Hereditary Cancer Syndrome. Identifiers: Orphanet 140162, MedGen C0027672, MeSH D009386, MONDO:0015356.

Submission:

Ambry Genetics
Classification: Uncertain significance for Hereditary cancer-predisposing syndrome. Last evaluated: 2026-06-16. Review status: criteria provided, single submitter. Criteria: Ambry Variant Classification Scheme 2023. Collection method: clinical testing. Allele origin: germline.
Comment: The p.W1058R variant (also known as c.3172T>C), located in coding exon 21 of the ATM gene, results from a T to C substitution at nucleotide position 3172. The tryptophan at codon 1058 is replaced by arginine, an amino acid with dissimilar properties. In an assay testing ATM function, this variant showed a functionally abnormal result (Lee KS et al. Cell, 2025 Sep;188:5081-5099.e27). This amino acid position is highly conserved in available vertebrate species. In addition, this alteration is predicted to be deleterious by in silico analysis. Based on the available evidence, the clinical significance of this variant remains unclear.

Literature cited by the submitters: PubMed 40580951.

NM_000051.4(ATM):c.3172T>C (p.Trp1058Arg)

Gene: ATM (ATM serine/threonine kinase; plus strand). Cytogenetic location: 11q22.3.
Variant type: single nucleotide variant.
Coding change: c.3172T>C on transcript NM_000051.4 (MANE Select); coding-DNA position 3172, T replaced by C.
Protein change: p.Trp1058Arg; replaces tryptophan 1058 with arginine.
Molecular consequence: missense variant.
Genome position (GRCh38, 1-based): chr11:108,272,740, T>C. VCF-style: chr11-108272740-T-C. GRCh37 (hg19) VCF-style: chr11-108143467-T-C.
Other names: c.3172T>C, p.Trp1058Arg (NM_001351834.2); short protein forms W1058R.
Identifiers: ClinVar variation 5031189 (VCV005031189.1).